The following is an entry in ClinVar:

NM_144997.7(FLCN):c.1729T>C (p.Ser577Pro)

Gene: FLCN (folliculin; minus strand). Cytogenetic location: 17p11.2.
Variant type: single nucleotide variant.
Coding change: c.1729T>C on transcript NM_144997.7 (MANE Select); coding-DNA position 1729, T replaced by C.
Protein change: p.Ser577Pro; replaces serine 577 with proline.
Molecular consequence: missense variant.
Genome position (GRCh38, 1-based): chr17:17,213,666, A>G on the plus strand (T>C on the coding strand, the complement: FLCN is on the minus strand). VCF-style: chr17-17213666-A-G. GRCh37 (hg19) VCF-style: chr17-17116980-A-G.
Other names: c.1729T>C (NM_144997.5); c.1783T>C, p.Ser595Pro (NM_001353229.2); c.1729T>C, p.Ser577Pro (NM_001353230.2, NM_001353231.2); short protein forms S577P, S595P.
Identifiers: ClinVar variation 1425769 (VCV001425769.8), dbSNP rs886426221, ClinGen allele CA398529767.

ClinVar aggregate classification (germline): Conflicting classifications of pathogenicity. Review status: criteria provided, conflicting classifications (1 of 4 stars). 2 submissions from 2 submitters: Uncertain significance (1); Likely benign (1). Last evaluated 2026-03-26.

Conditions:
Birt-Hogg-Dube syndrome. Also called: Birt Hogg Dubé syndrome. Identifiers: Orphanet 122, MedGen C0346010, MONDO:0800444.
Hereditary cancer-predisposing syndrome. Also called: Tumor predisposition; Neoplastic Syndromes, Hereditary; Hereditary Cancer Syndrome; Hereditary neoplastic syndrome. Identifiers: Orphanet 140162, MedGen C0027672, MeSH D009386, MONDO:0015356.

Allele frequency attached by ClinVar (database versions not stated): gnomAD exomes below 0.00001.
gnomAD v4.1: 2 of 1,613,812 alleles (0.00012%); highest among the groups gnomAD compares: East Asian, 0.0022%; no homozygotes.

Submissions (2):

Ambry Genetics
Classification: Likely benign for Hereditary cancer-predisposing syndrome. Last evaluated: 2026-03-26. Review status: criteria provided, single submitter. Criteria: Ambry Variant Classification Scheme 2023. Collection method: clinical testing. Allele origin: germline.

Labcorp Genetics (formerly Invitae), Labcorp
Classification: Uncertain significance for Birt-Hogg-Dube syndrome. Last evaluated: 2023-11-13. Review status: criteria provided, single submitter. Criteria: Invitae Variant Classification Sherloc (09022015). Collection method: clinical testing. Allele origin: germline.
Comment: This sequence change replaces serine, which is neutral and polar, with proline, which is neutral and non-polar, at codon 577 of the FLCN protein (p.Ser577Pro). This variant is present in population databases (no rsID available, gnomAD 0.006%). This variant has not been reported in the literature in individuals affected with FLCN-related conditions. ClinVar contains an entry for this variant (Variation ID: 1425769). Algorithms developed to predict the effect of missense changes on protein structure and function output the following: SIFT: "Not Available"; PolyPhen-2: "Benign"; Align-GVGD: "Not Available". The proline amino acid residue is found in multiple mammalian species, which suggests that this missense change does not adversely affect protein function. In summary, the available evidence is currently insufficient to determine the role of this variant in disease. Therefore, it has been classified as a Variant of Uncertain Significance.